The following is an entry in ClinVar:

NM_001082486.2(ACD):c.1253A>G (p.Tyr418Cys)

Gene: ACD (ACD shelterin complex subunit and telomerase recruitment factor; minus strand). Cytogenetic location: 16q22.1.
Variant type: single nucleotide variant.
Coding change: c.1253A>G on transcript NM_001082486.2 (MANE Select); coding-DNA position 1253, A replaced by G.
Protein change: p.Tyr418Cys; replaces tyrosine 418 with cysteine.
Molecular consequence: missense variant.
Genome position (GRCh38, 1-based): chr16:67,657,807, T>C on the plus strand (A>G on the coding strand, the complement: ACD is on the minus strand). VCF-style: chr16-67657807-T-C. GRCh37 (hg19) VCF-style: chr16-67691710-T-C.
Other names: c.1166A>G, p.Tyr389Cys (NM_001410884.1); c.1244A>G, p.Tyr415Cys (NM_022914.3); short protein forms Y389C, Y415C, Y418C.
Identifiers: ClinVar variation 3261500 (VCV003261500.1).
Genomic context (GRCh38, chr16:67,657,807, plus strand): 5'-GACCCAGGCACTCACCTGACAGCTTGGACCCGAGCACAGAGGGACGTGCAGGGTGGCTCA[T>C]ACTCATACTGGAAGGCAGAACCATCACGATGCCTCTTTGGGGGTTCCTGAAAGGGGTATG-3'
Protein context (NP_001075955.2, residues 408-428): HRDGSAFQYE[Tyr418Cys]EPPCTSLCAR

ClinVar aggregate classification (germline): Uncertain significance (1 of 4 stars; one submission).

Conditions:
Inborn genetic diseases. Identifiers: MedGen C0950123, MeSH D030342.

gnomAD v4.1: 4 of 1,613,952 alleles (0.00025%); highest among the groups gnomAD compares: East Asian, 0.0089%; no homozygotes.

Submission:

Ambry Genetics
Classification: Uncertain significance for Inborn genetic diseases. Last evaluated: 2024-05-01. Review status: criteria provided, single submitter. Criteria: Ambry Variant Classification Scheme 2023. Collection method: clinical testing. Allele origin: germline.
Comment: The p.Y504C variant (also known as c.1511A>G), located in coding exon 11 of the ACD gene, results from an A to G substitution at nucleotide position 1511. The tyrosine at codon 504 is replaced by cysteine, an amino acid with highly dissimilar properties. This amino acid position is conserved. In addition, this alteration is predicted to be tolerated by in silico analysis. Based on the available evidence, the clinical significance of this variant remains unclear.